The following is an entry in ClinVar:

NM_014844.5(TECPR2):c.2941C>A (p.Gln981Lys)

Gene: TECPR2 (tectonin beta-propeller repeat containing 2; plus strand). Cytogenetic location: 14q32.31.
Variant type: single nucleotide variant.
Coding change: c.2941C>A on transcript NM_014844.5 (MANE Select); coding-DNA position 2941, C replaced by A.
Protein change: p.Gln981Lys; replaces glutamine 981 with lysine.
Molecular consequence: missense variant.
Genome position (GRCh38, 1-based): chr14:102,445,813, C>A. VCF-style: chr14-102445813-C-A. GRCh37 (hg19) VCF-style: chr14-102912150-C-A.
Other names: p.Gln981Lys; c.2941C>A, p.Gln981Lys (NM_001172631.3); c.2941C>A (NM_014844.4); short protein forms Q981K.
Identifiers: ClinVar variation 240924 (VCV000240924.23), dbSNP rs62000389, ClinGen allele CA7358102.

ClinVar aggregate classification (germline): Benign. Review status: criteria provided, multiple submitters, no conflicts (2 of 4 stars). 8 submissions from 8 submitters: Benign (5). 3 of the submissions do not count toward it. Last evaluated 2026-02-04.

Conditions:
Hereditary spastic paraplegia. Also called: Familial spastic paraparesis. Identifiers: Orphanet 685, MedGen C0037773, MONDO:0019064. Disease mechanism: loss of function.
Hereditary spastic paraplegia 49 (HSAN9). Also called: Spastic paraplegia 49, autosomal recessive; NEUROPATHY, HEREDITARY SENSORY AND AUTONOMIC, TYPE IX, WITH DEVELOPMENTAL DELAY; TECPR2-Related Hereditary Sensory and Autonomic Neuropathy with Intellectual Disability. Identifiers: Orphanet 320385, MedGen C5190860, MONDO:0014016, OMIM 615031.

Allele frequency attached by ClinVar (database versions not stated): 1000 Genomes Project 30x 0.00703; 1000 Genomes Project 0.00719; TOPMed 0.01365; gnomAD 0.01381 and 0.01415; ESP Exome Variant Server 0.01645; gnomAD exomes 0.01723 and 0.01996; ExAC 0.01830.
gnomAD v4.1: 31,190 of 1,613,582 alleles (1.9%); highest among the groups gnomAD compares: Middle Eastern, 3%; 361 homozygotes.

Submissions (8):

Labcorp Genetics (formerly Invitae), Labcorp
Classification: Benign for Hereditary spastic paraplegia 49. Last evaluated: 2026-02-04. Review status: criteria provided, single submitter. Criteria: Invitae Variant Classification Sherloc (09022015). Collection method: clinical testing. Allele origin: germline.

Genome Diagnostics Laboratory, The Hospital for Sick Children
Classification: Benign for Hereditary spastic paraplegia. Last evaluated: 2021-11-23. Review status: criteria provided, single submitter. Criteria: ACMG Guidelines, 2015. Collection method: clinical testing. Allele origin: germline. Affected: yes.

Mayo Clinic Laboratories, Mayo Clinic
Classification: Benign. Last evaluated: 2019-08-08. Review status: criteria provided, single submitter. Criteria: ACMG Guidelines, 2015. Collection method: clinical testing. Allele origin: germline. Observed: 41 variant alleles.

GeneDx
Classification: Benign. Last evaluated: 2016-02-01. Review status: criteria provided, single submitter. Criteria: GeneDx Variant Classification (06012015). Collection method: clinical testing. Allele origin: germline. Affected: yes.
Comment: This variant is considered likely benign or benign based on one or more of the following criteria: it is a conservative change, it occurs at a poorly conserved position in the protein, it is predicted to be benign by multiple in silico algorithms, and/or has population frequency not consistent with disease.

Breakthrough Genomics
Classification: Benign. Review status: criteria provided, single submitter. Criteria: ACMG Guidelines, 2015. Collection method: not provided. Allele origin: germline. Inheritance: Autosomal recessive inheritance. Affected: yes.

Natera, Inc.
Classification: Likely benign for Autosomal recessive spastic paraplegia type 49. Last evaluated: 2019-11-26. Review status: no assertion criteria provided. Collection method: clinical testing. Allele origin: germline. Not counted in ClinVar's aggregate classification.

Clinical Genetics DNA and cytogenetics Diagnostics Lab, Erasmus MC, Erasmus Medical Center
Classification: Benign. Review status: no assertion criteria provided. Collection method: clinical testing. Allele origin: germline. Affected: yes. Study: VKGL Data-share Consensus. Not counted in ClinVar's aggregate classification.

Clinical Genetics, Academic Medical Center
Classification: Benign. Review status: no assertion criteria provided. Collection method: clinical testing. Allele origin: germline. Affected: yes. Study: VKGL Data-share Consensus. Not counted in ClinVar's aggregate classification.